The following is an entry in ClinVar:

NM_001375567.1(FOCAD):c.4600A>T (p.Thr1534Ser)

Gene: FOCAD (focadhesin; plus strand). Cytogenetic location: 9p21.3.
Variant type: single nucleotide variant.
Coding change: c.4600A>T on transcript NM_001375567.1 (MANE Select); coding-DNA position 4600, A replaced by T.
Protein change: p.Thr1534Ser; replaces threonine 1534 with serine.
Molecular consequence: missense variant.
Genome position (GRCh38, 1-based): chr9:20,981,648, A>T. VCF-style: chr9-20981648-A-T. GRCh37 (hg19) VCF-style: chr9-20981647-A-T.
Other names: c.4495A>T, p.Thr1499Ser (NM_001375568.1, NM_001375570.1); c.4600A>T, p.Thr1534Ser (NM_017794.5); short protein forms T1499S, T1534S.
Identifiers: ClinVar variation 3639388 (VCV003639388.2).

ClinVar aggregate classification (germline): Uncertain significance (1 of 4 stars; one submission).

Submission:

Labcorp Genetics (formerly Invitae), Labcorp
Classification: Uncertain significance. Last evaluated: 2024-02-07. Review status: criteria provided, single submitter. Criteria: Invitae Variant Classification Sherloc (09022015). Collection method: clinical testing. Allele origin: germline.
Comment: This sequence change replaces threonine, which is neutral and polar, with serine, which is neutral and polar, at codon 1534 of the FOCAD protein (p.Thr1534Ser). This variant is not present in population databases (gnomAD no frequency). This variant has not been reported in the literature in individuals affected with FOCAD-related conditions. Experimental studies and prediction algorithms are not available or were not evaluated, and the functional significance of this variant is currently unknown. In summary, the available evidence is currently insufficient to determine the role of this variant in disease. Therefore, it has been classified as a Variant of Uncertain Significance.